The following is an entry in ClinVar:

NM_000094.4(COL7A1):c.7391G>A (p.Gly2464Glu)

Gene: COL7A1 (collagen type VII alpha 1 chain; minus strand). Cytogenetic location: 3p21.31.
Variant type: single nucleotide variant.
Coding change: c.7391G>A on transcript NM_000094.4 (MANE Select); coding-DNA position 7391, G replaced by A.
Protein change: p.Gly2464Glu; replaces glycine 2464 with glutamic acid.
Molecular consequence: missense variant.
Genome position (GRCh38, 1-based): chr3:48,570,324, C>T on the plus strand (G>A on the coding strand, the complement: COL7A1 is on the minus strand). VCF-style: chr3-48570324-C-T. GRCh37 (hg19) VCF-style: chr3-48607757-C-T.
Other names: short protein forms G2464E.
Identifiers: ClinVar variation 1008632 (VCV001008632.2), dbSNP rs1176292922, ClinGen allele CA352646509.

ClinVar aggregate classification (germline): Uncertain significance (1 of 4 stars; one submission).

Allele frequency attached by ClinVar (database versions not stated): TOPMed below 0.00001; gnomAD 0.00001.
gnomAD v4.1: 1 of 1,613,948 alleles (0.000062%); highest among the groups gnomAD compares: Non-Finnish European, 0.000085%; no homozygotes.

Submission:

Labcorp Genetics (formerly Invitae), Labcorp
Classification: Uncertain significance. Last evaluated: 2021-08-27. Review status: criteria provided, single submitter. Criteria: Invitae Variant Classification Sherloc (09022015). Collection method: clinical testing. Allele origin: germline.
Comment: This sequence change replaces glycine with glutamic acid at codon 2464 of the COL7A1 protein (p.Gly2464Glu). The glycine residue is highly conserved and there is a moderate physicochemical difference between glycine and glutamic acid. This variant is not present in population databases (ExAC no frequency). This variant has not been reported in the literature in individuals affected with COL7A1-related conditions. Advanced modeling of protein sequence and biophysical properties (such as structural, functional, and spatial information, amino acid conservation, physicochemical variation, residue mobility, and thermodynamic stability) performed at Invitae indicates that this missense variant is expected to disrupt COL7A1 protein function. In summary, the available evidence is currently insufficient to determine the role of this variant in disease. Therefore, it has been classified as a Variant of Uncertain Significance.